The following is an entry in ClinVar:

NM_177438.3(DICER1):c.1434C>G (p.Phe478Leu)

Gene: DICER1 (dicer 1, ribonuclease III; minus strand). Cytogenetic location: 14q32.13.
Variant type: single nucleotide variant.
Coding change: c.1434C>G on transcript NM_177438.3 (MANE Select); coding-DNA position 1434, C replaced by G.
Protein change: p.Phe478Leu; replaces phenylalanine 478 with leucine.
Molecular consequence: missense variant. On other transcripts: 5 prime UTR variant (1), non-coding transcript variant (6).
Genome position (GRCh38, 1-based): chr14:95,117,697, G>C on the plus strand (C>G on the coding strand, the complement: DICER1 is on the minus strand). VCF-style: chr14-95117697-G-C. GRCh37 (hg19) VCF-style: chr14-95584034-G-C.
Other names: c.1434C>G, p.Phe478Leu (NM_001195573.1, NM_001271282.3, NM_001291628.2 and 12 more transcripts); c.1152C>G, p.Phe384Leu (NM_001395686.1); c.1029C>G, p.Phe343Leu (NM_001395687.1, NM_001395688.1, NM_001395689.1 and 3 more transcripts); c.867C>G, p.Phe289Leu (NM_001395691.1); c.-135C>G (NM_001395697.1); short protein forms F289L, F343L, F384L, F478L.
Identifiers: ClinVar variation 1692079 (VCV001692079.1), dbSNP rs1555373211, ClinGen allele CA390885577.

ClinVar aggregate classification (germline): Uncertain significance (1 of 4 stars; one submission).

Conditions:
Hereditary cancer-predisposing syndrome. Also called: Hereditary Cancer Syndrome; Hereditary neoplastic syndrome; Neoplastic Syndromes, Hereditary; Tumor predisposition. Identifiers: Orphanet 140162, MedGen C0027672, MeSH D009386, MONDO:0015356.

Submission:

Sema4
Classification: Uncertain significance for Hereditary cancer-predisposing syndrome. Last evaluated: 2022-02-07. Review status: criteria provided, single submitter. Criteria: Sema4 Curation Guidelines. Collection method: curation. Allele origin: germline.
Comment: The DICER1 c.1434C>G (p.F478L) variant has not been reported in the literature to our knowledge. This variant was not reported in the population database Genome Aggregation Database (PMID: 32461654). This variant has not been reported in ClinVar. Functional studies have not been performed, and in silico predictions of the variant's effect on protein function are inconclusive. The evidence is insufficient to meet ACMG/AMP criteria for classifying the variant as benign or pathogenic. Thus, the clinical significance of this variant is currently uncertain.